The following is an entry in ClinVar:

ClinVar aggregate classification (germline): Uncertain significance (0 of 4 stars; one submission).

Conditions:
CASK-related disorder. Also called: CASK-related disorders; CASK-related condition.

Submission:

PreventionGenetics, part of Exact Sciences
Classification: Uncertain significance for CASK-related condition. Last evaluated: 2024-08-28. Review status: no assertion criteria provided. Collection method: clinical testing. Allele origin: germline.
Comment: The CASK c.2302+4A>G variant is predicted to interfere with splicing. It is predicted to alter splicing based on available splicing prediction programs (SpliceAI, Jarganathan et al. 2019. PubMed ID: 30661751; Alamut Visual v1.6.1). An alternate nucleotide change, c.2302+5G>A, has been reported in the de novo state in a patient with intellectual disability, microcephaly and pontocerebellar hypoplasia (MICPCH) and RT-PCR studies showed an effect on splicing (Burglen et al. 2012. PubMed ID: 22452838). To our knowledge, this variant has not been reported in the literature or in a large population database, indicating this variant is rare. Although we suspect that this variant may be pathogenic, at this time, the clinical significance of this variant is uncertain due to the absence of conclusive functional and genetic evidence.

NM_001367721.1(CASK):c.2317+4A>G

Gene: CASK (calcium/calmodulin dependent serine protein kinase; minus strand). Cytogenetic location: Xp11.4.
Variant type: single nucleotide variant.
Coding change: c.2317+4A>G on transcript NM_001367721.1 (MANE Select); 4 bases into the intron after coding-DNA position 2317, A replaced by G.
Molecular consequence: intron variant.
Genome position (GRCh38, 1-based): chrX:41,534,702, T>C on the plus strand (A>G on the coding strand, the complement: CASK is on the minus strand). VCF-style: chrX-41534702-T-C. GRCh37 (hg19) VCF-style: chrX-41393955-T-C.
Other names: c.2230+4A>G (NM_001126055.3); c.2299+4A>G (NM_001410745.1); c.2233+4A>G (NM_001126054.3); c.2302+4A>G (NM_003688.4).
Identifiers: ClinVar variation 3345577 (VCV003345577.1).